The following is an entry in ClinVar:

ClinVar aggregate classification (germline): Uncertain significance (1 of 4 stars; one submission).

Allele frequency attached by ClinVar (database versions not stated): TOPMed 0.00001.

Submission:

Labcorp Genetics (formerly Invitae), Labcorp
Classification: Uncertain significance. Last evaluated: 2024-01-08. Review status: criteria provided, single submitter. Criteria: Invitae Variant Classification Sherloc (09022015). Collection method: clinical testing. Allele origin: germline.
Comment: This sequence change replaces threonine, which is neutral and polar, with isoleucine, which is neutral and non-polar, at codon 1600 of the OTOG protein (p.Thr1600Ile). This variant is present in population databases (no rsID available, gnomAD 0.008%). This variant has not been reported in the literature in individuals affected with OTOG-related conditions. ClinVar contains an entry for this variant (Variation ID: 1910251). An algorithm developed to predict the effect of missense changes on protein structure and function (PolyPhen-2) suggests that this variant is likely to be tolerated. In summary, the available evidence is currently insufficient to determine the role of this variant in disease. Therefore, it has been classified as a Variant of Uncertain Significance.

NM_001292063.2(OTOG):c.4763C>T (p.Thr1588Ile)

Gene: OTOG (otogelin; plus strand). Cytogenetic location: 11p15.1.
Variant type: single nucleotide variant.
Coding change: c.4763C>T on transcript NM_001292063.2 (MANE Select); coding-DNA position 4763, C replaced by T.
Protein change: p.Thr1588Ile; replaces threonine 1588 with isoleucine.
Molecular consequence: missense variant.
Genome position (GRCh38, 1-based): chr11:17,610,063, C>T. VCF-style: chr11-17610063-C-T. GRCh37 (hg19) VCF-style: chr11-17631610-C-T.
Other names: c.4799C>T, p.Thr1600Ile (NM_001277269.2); short protein forms T1588I, T1600I.
Identifiers: ClinVar variation 1910251 (VCV001910251.5), dbSNP rs1308093312, ClinGen allele CA379796226.
Genomic context (GRCh38, chr11:17,610,063, plus strand): 5'-CATCCCTCCCTGTTGCACTGCAGACACCCACACCTGGCATGGTGTCAGGTGCCATGGAGA[C>T]AACAAGGGTGACTGTGATCTTTGCAGGAAGCCCTAACATCACAGTCTCCTCCCGGTCGCC-3'
Protein context (NP_001278992.1, residues 1578-1598): TPGMVSGAME[Thr1588Ile]TRVTVIFAGS